The following is an entry in ClinVar:

NM_020549.5(CHAT):c.1859T>G (p.Ile620Ser)

Gene: CHAT (choline O-acetyltransferase; plus strand). Cytogenetic location: 10q11.23.
Variant type: single nucleotide variant.
Coding change: c.1859T>G on transcript NM_020549.5 (MANE Select); coding-DNA position 1859, T replaced by G.
Protein change: p.Ile620Ser; replaces isoleucine 620 with serine.
Molecular consequence: missense variant.
Genome position (GRCh38, 1-based): chr10:49,662,664, T>G. VCF-style: chr10-49662664-T-G. GRCh37 (hg19) VCF-style: chr10-50870710-T-G.
Other names: c.1505T>G, p.Ile502Ser (NM_001142929.2, NM_001142934.2, NM_020984.4 and 2 more transcripts); c.1613T>G, p.Ile538Ser (NM_001142933.2); short protein forms I502S, I620S, I538S.
Identifiers: ClinVar variation 1347749 (VCV001347749.8), dbSNP rs2132852411, ClinGen allele CA376711391.

ClinVar aggregate classification (germline): Uncertain significance (1 of 4 stars; one submission).

Conditions:
Familial infantile myasthenia (CMS6). Also called: MYASTHENIC SYNDROME, CONGENITAL, 6, PRESYNAPTIC; MYASTHENIC SYNDROME, PRESYNAPTIC, CONGENITAL, ASSOCIATED WITH EPISODIC APNEA; Congenital myasthenic syndrome type 6. Identifiers: Orphanet 590, MedGen C0393929, MONDO:0009689, OMIM 254210.

Submission:

Labcorp Genetics (formerly Invitae), Labcorp
Classification: Uncertain significance for Familial infantile myasthenia. Last evaluated: 2022-09-27. Review status: criteria provided, single submitter. Criteria: Invitae Variant Classification Sherloc (09022015). Collection method: clinical testing. Allele origin: germline.
Comment: This variant has not been reported in the literature in individuals affected with CHAT-related conditions. This variant is not present in population databases (gnomAD no frequency). This sequence change replaces isoleucine, which is neutral and non-polar, with serine, which is neutral and polar, at codon 620 of the CHAT protein (p.Ile620Ser). ClinVar contains an entry for this variant (Variation ID: 1347749). Algorithms developed to predict the effect of missense changes on protein structure and function (SIFT, PolyPhen-2, Align-GVGD) all suggest that this variant is likely to be disruptive. In summary, the available evidence is currently insufficient to determine the role of this variant in disease. Therefore, it has been classified as a Variant of Uncertain Significance.